The following is an entry in ClinVar:

ClinVar aggregate classification (germline): Uncertain significance (1 of 4 stars; one submission).

Conditions:
Hypertrophic cardiomyopathy. Also called: HYPERTROPHIC MYOCARDIOPATHY. Identifiers: Orphanet 217569, MedGen C0007194, MeSH D002312, MONDO:0005045, HP:0001639.

Submission:

Labcorp Genetics (formerly Invitae), Labcorp
Classification: Uncertain significance for Hypertrophic cardiomyopathy. Last evaluated: 2022-10-07. Review status: criteria provided, single submitter. Criteria: Invitae Variant Classification Sherloc (09022015). Collection method: clinical testing. Allele origin: germline.
Comment: This variant is not present in population databases (gnomAD no frequency). In summary, the available evidence is currently insufficient to determine the role of this variant in disease. Therefore, it has been classified as a Variant of Uncertain Significance. Advanced modeling of protein sequence and biophysical properties (such as structural, functional, and spatial information, amino acid conservation, physicochemical variation, residue mobility, and thermodynamic stability) has been performed at Invitae for this missense variant, however the output from this modeling did not meet the statistical confidence thresholds required to predict the impact of this variant on MYH7 protein function. This variant has not been reported in the literature in individuals affected with MYH7-related conditions. This sequence change replaces alanine, which is neutral and non-polar, with aspartic acid, which is acidic and polar, at codon 638 of the MYH7 protein (p.Ala638Asp).

NM_000257.4(MYH7):c.1913C>A (p.Ala638Asp)

Gene: MYH7 (myosin heavy chain 7; minus strand). Cytogenetic location: 14q11.2.
Variant type: single nucleotide variant.
Coding change: c.1913C>A on transcript NM_000257.4 (MANE Select); coding-DNA position 1913, C replaced by A.
Protein change: p.Ala638Asp; replaces alanine 638 with aspartic acid.
Molecular consequence: missense variant.
Genome position (GRCh38, 1-based): chr14:23,427,283, G>T on the plus strand (C>A on the coding strand, the complement: MYH7 is on the minus strand). VCF-style: chr14-23427283-G-T. GRCh37 (hg19) VCF-style: chr14-23896492-G-T.
Other names: c.1913C>A, p.Ala638Asp (NM_001407004.1); short protein forms A638D.
Identifiers: ClinVar variation 1721152 (VCV001721152.5), dbSNP rs369935820, ClinGen allele CA389049548.
Genomic context (GRCh38, chr14:23,427,283, plus strand): 5'-GGCTGTGTCCCACTCACCCTGTGCAGAGCTGACACAGTCTGAAAGGACGAGCCTTTCTTG[G>T]CCTTGCCTTTGCCCTTCTCAATAGCTGCAGGAAGGAGAGTCAACAAAAGAAGCATCAGTG-3'
Protein context (NP_000248.2, residues 628-648): DAPIEKGKGK[Ala638Asp]KKGSSFQTVS